The following is an entry in ClinVar:

ClinVar aggregate classification (germline): Uncertain significance (1 of 4 stars; one submission).

Submission:

Labcorp Genetics (formerly Invitae), Labcorp
Classification: Uncertain significance. Last evaluated: 2023-03-02. Review status: criteria provided, single submitter. Criteria: Invitae Variant Classification Sherloc (09022015). Collection method: clinical testing. Allele origin: germline.
Comment: This sequence change replaces glutamine, which is neutral and polar, with glutamic acid, which is acidic and polar, at codon 993 of the IGSF10 protein (p.Gln993Glu). This variant is not present in population databases (gnomAD no frequency). This variant has not been reported in the literature in individuals affected with IGSF10-related conditions. An algorithm developed to predict the effect of missense changes on protein structure and function (PolyPhen-2) suggests that this variant is likely to be tolerated. In summary, the available evidence is currently insufficient to determine the role of this variant in disease. Therefore, it has been classified as a Variant of Uncertain Significance.

NM_178822.5(IGSF10):c.2977C>G (p.Gln993Glu)

Gene: IGSF10 (immunoglobulin superfamily member 10; minus strand). Cytogenetic location: 3q25.1.
Variant type: single nucleotide variant.
Coding change: c.2977C>G on transcript NM_178822.5 (MANE Select); coding-DNA position 2977, C replaced by G.
Protein change: p.Gln993Glu; replaces glutamine 993 with glutamic acid.
Molecular consequence: missense variant.
Genome position (GRCh38, 1-based): chr3:151,447,004, G>C on the plus strand (C>G on the coding strand, the complement: IGSF10 is on the minus strand). VCF-style: chr3-151447004-G-C. GRCh37 (hg19) VCF-style: chr3-151164792-G-C.
Other names: c.2977C>G, p.Gln993Glu (NM_001385060.1, NM_001385061.1, NM_001385062.1 and 1 more transcripts); short protein forms Q993E.
Identifiers: ClinVar variation 2842264 (VCV002842264.3), dbSNP rs976956664, ClinGen allele CA354999074.